The following is an entry in ClinVar:

ClinVar aggregate classification (germline): Likely pathogenic (1 of 4 stars; one submission).

Conditions:
BBS9-related disorder. Also called: BBS9-related condition.

Submission:

PreventionGenetics, part of Exact Sciences
Classification: Likely pathogenic for BBS9-related condition. Last evaluated: 2025-07-23. Review status: criteria provided, single submitter. Criteria: ACMG Guidelines, 2015. Collection method: clinical testing. Allele origin: germline.
Comment: The BBS9 c.2195delA variant is predicted to result in a frameshift and premature protein termination (p.His732Leufs*3). To our knowledge, this variant has not been reported in the literature or in a large population database (gnomAD), indicating this variant is rare. Frameshift variants in BBS9 are expected to be pathogenic. This variant is interpreted as likely pathogenic.

NM_198428.3(BBS9):c.2195del (p.His732fs)

Gene: BBS9 (Bardet-Biedl syndrome 9; plus strand). Cytogenetic location: 7p14.3.
Variant type: Deletion.
Coding change: c.2195del on transcript NM_198428.3 (MANE Select); coding-DNA position 2195, one base deleted (A; older notation c.2195delA).
Protein change: p.His732fs; shifts the reading frame from histidine 732.
Molecular consequence: frameshift variant. On other transcripts: non-coding transcript variant (3), intron variant (1).
Genome position (GRCh38, 1-based): chr7:33,505,542, A deleted. VCF-style (leftmost placement, unchanged base first): chr7-33505541-CA-C. GRCh37 (hg19) VCF-style: chr7-33545153-CA-C.
Other names: c.2090del, p.His697fs (NM_001033604.2); c.2180del, p.His727fs (NM_001033605.2); c.2195del, p.His732fs (NM_001348036.1, NM_001348041.4, NM_001348043.3 and 1 more transcripts); c.1922del, p.His641fs (NM_001348038.3); c.1817del, p.His606fs (NM_001348039.3); c.2075del, p.His692fs (NM_001348040.3, NM_014451.4); c.2060del, p.His687fs (NM_001348042.3); c.1724del, p.His575fs (NM_001348044.3); and 2 more; short protein forms H687fs, H727fs, H575fs, H641fs, H692fs, H732fs, H606fs, H610fs.
Identifiers: ClinVar variation 5001829 (VCV005001829.1).
Genomic context (GRCh38, chr7:33,505,541, plus strand): 5'-GCAGTGGAGGAAAACCAAGGCAATCTGTTCCAGTCATTCACCAGGCTGAAGAGTGCCACC[CA>C]TTTGGTGATTCTGCTGATCGCGCTGTGGCAGAAGCTTAGTGCTGACCAGGTTGCTATTCT-3'